The following is an entry in ClinVar:

NM_006206.6(PDGFRA):c.1431C>G (p.His477Gln)

Gene: PDGFRA (platelet derived growth factor receptor alpha; plus strand). Cytogenetic location: 4q12.
Variant type: single nucleotide variant.
Coding change: c.1431C>G on transcript NM_006206.6 (MANE Select); coding-DNA position 1431, C replaced by G.
Protein change: p.His477Gln; replaces histidine 477 with glutamine.
Molecular consequence: missense variant.
Genome position (GRCh38, 1-based): chr4:54,273,603, C>G. VCF-style: chr4-54273603-C-G. GRCh37 (hg19) VCF-style: chr4-55139770-C-G.
Other names: c.1431C>G, p.His477Gln (NM_001347827.2, NM_001347829.2); c.1506C>G, p.His502Gln (NM_001347828.2); c.1470C>G, p.His490Gln (NM_001347830.2); short protein forms H477Q, H490Q, H502Q.
Identifiers: ClinVar variation 1023059 (VCV001023059.10), dbSNP rs1553904190, ClinGen allele CA356892556.
Genomic context (GRCh38, chr4:54,273,603, plus strand): 5'-TAATGAAACTTCCTGGACTATTTTGGCCAACAATGTCTCAAACATCATCACGGAGATCCA[C>G]TCCCGAGACAGGAGTACCGTGGAGGGCCGTGTGACTTTCGCCAAAGTGGAGGAGACCATC-3'
Protein context (NP_006197.1, residues 467-487): NNVSNIITEI[His477Gln]SRDRSTVEGR

ClinVar aggregate classification (germline): Uncertain significance. Review status: criteria provided, multiple submitters, no conflicts (2 of 4 stars). 2 submissions from 2 submitters: Uncertain significance (2). Last evaluated 2024-08-28.

Conditions:
Hereditary cancer-predisposing syndrome. Also called: Tumor predisposition; Neoplastic Syndromes, Hereditary; Hereditary neoplastic syndrome; Hereditary Cancer Syndrome. Identifiers: Orphanet 140162, MedGen C0027672, MeSH D009386, MONDO:0015356.
Gastrointestinal stromal tumor. Also called: Gastrointestinal stromal tumor, somatic; Gastrointestinal stroma tumor. Identifiers: Orphanet 44890, MedGen C0238198, MeSH D046152, MONDO:0011719, OMIM 606764, HP:0100723.

Submissions (2):

Labcorp Genetics (formerly Invitae), Labcorp
Classification: Uncertain significance for Gastrointestinal stromal tumor. Last evaluated: 2024-08-28. Review status: criteria provided, single submitter. Criteria: Invitae Variant Classification Sherloc (09022015). Collection method: clinical testing. Allele origin: germline.
Comment: This sequence change replaces histidine, which is basic and polar, with glutamine, which is neutral and polar, at codon 477 of the PDGFRA protein (p.His477Gln). This variant is not present in population databases (gnomAD no frequency). This variant has not been reported in the literature in individuals affected with PDGFRA-related conditions. ClinVar contains an entry for this variant (Variation ID: 1023059). An algorithm developed to predict the effect of missense changes on protein structure and function outputs the following: PolyPhen-2: "Benign". The glutamine amino acid residue is found in multiple mammalian species, which suggests that this missense change does not adversely affect protein function. In summary, the available evidence is currently insufficient to determine the role of this variant in disease. Therefore, it has been classified as a Variant of Uncertain Significance.

Ambry Genetics
Classification: Uncertain significance for Hereditary cancer-predisposing syndrome. Last evaluated: 2021-07-26. Review status: criteria provided, single submitter. Criteria: Ambry Variant Classification Scheme 2023. Collection method: clinical testing. Allele origin: germline.
Comment: The p.H477Q variant (also known as c.1431C>G), located in coding exon 9 of the PDGFRA gene, results from a C to G substitution at nucleotide position 1431. The histidine at codon 477 is replaced by glutamine, an amino acid with highly similar properties. This amino acid position is conserved. In addition, this alteration is predicted to be tolerated by in silico analysis. Since supporting evidence is limited at this time, the clinical significance of this alteration remains unclear.